The following is an entry in ClinVar:

NM_000868.4(HTR2C):c.512C>T (p.Ala171Val)

Gene: HTR2C (5-hydroxytryptamine receptor 2C; plus strand). Cytogenetic location: Xq23.
Variant type: single nucleotide variant.
Coding change: c.512C>T on transcript NM_000868.4 (MANE Select); coding-DNA position 512, C replaced by T.
Protein change: p.Ala171Val; replaces alanine 171 with valine.
Molecular consequence: missense variant. On other transcripts: intron variant (1).
Genome position (GRCh38, 1-based): chrX:114,848,165, C>T. VCF-style: chrX-114848165-C-T. GRCh37 (hg19) VCF-style: chrX-114082728-C-T.
Other names: c.512C>T, p.Ala171Val (NM_001256760.3); c.455+57C>T (NM_001256761.3); short protein forms A171V.
Identifiers: ClinVar variation 3039474 (VCV003039474.2), dbSNP rs139581423, ClinGen allele CA10495466.

ClinVar aggregate classification (germline): Likely benign (0 of 4 stars; one submission).

Conditions:
HTR2C-related disorder. Also called: HTR2C-related condition.

Allele frequency attached by ClinVar (database versions not stated): TOPMed 0.00051; ExAC 0.00055; gnomAD 0.00056; ESP Exome Variant Server 0.00057; gnomAD exomes 0.00092.
gnomAD v4.1: 1,082 of 1,209,187 alleles (0.089%); highest among the groups gnomAD compares: Non-Finnish European, 0.11%; no homozygotes.

Submission:

PreventionGenetics, part of Exact Sciences
Classification: Likely benign for HTR2C-related condition. Last evaluated: 2021-06-25. Review status: no assertion criteria provided. Collection method: clinical testing. Allele origin: germline.
Comment: This variant is classified as likely benign based on ACMG/AMP sequence variant interpretation guidelines (Richards et al. 2015 PMID: 25741868, with internal and published modifications).